The following is an entry in ClinVar:

ClinVar aggregate classification (germline): Likely pathogenic (1 of 4 stars; one submission).

Conditions:
Alport syndrome. Also called: Hemorrhagic familial nephritis; Hemorrhagic hereditary nephritis; Congenital hereditary hematuria. Identifiers: Orphanet 63, MedGen C1567741, MONDO:0018965.

gnomAD v4.1: 1 of 1,613,842 alleles (0.000062%); highest among the groups gnomAD compares: South Asian, 0.0011%; no homozygotes.

Submission:

Victorian Clinical Genetics Services, Murdoch Childrens Research Institute
Classification: Likely pathogenic for Alport syndrome. Last evaluated: 2024-10-09. Review status: criteria provided, single submitter. Criteria: ACMG Guidelines, 2015. Collection method: clinical testing. Allele origin: germline. Affected: yes.
Comment: Based on the classification scheme VCGS_Germline_v1.3.4, this variant is classified as Likely pathogenic. Following criteria are met: 0103 - Dominant negative and loss of function are known mechanisms of disease in this gene and are associated with Alport syndrome (MONDO:0018965), COL4A3-related. Glycine changes that are part of a G-X-Y repeat in the triple helix of a collagen domain are known to have a dominant negative effect (PMID: 12028435). (I) 0108 - This gene is associated with both recessive and dominant disease, Alport syndrome 3B (MIM#620536) and Alport syndrome 3A (MIM#104200), respectively (OMIM). (I) 0200 - Variant is predicted to result in a missense amino acid change from glycine to arginine. (I) 0251 - This variant is heterozygous. (I) 0301 - Variant is absent from gnomAD (both v2 and v3). (SP) 0501 - Missense variant consistently predicted to be damaging by multiple in silico tools or highly conserved with a major amino acid change. (SP) 0601 - Variant affects one of the glycine residues of the well-established functional Gly-X-Y motif in the collagen triple helical domain (DECIPHER). (SP) 0705 - No comparable missense variants have previous evidence for pathogenicity. (I) 0807 - This variant has no previous evidence of pathogenicity. (I) 0905 - No published segregation evidence has been identified for this variant. (I) 1007 - No published functional evidence has been identified for this variant. (I) 1208 - Inheritance information for this variant is not currently available in this individual. (I) Legend: (SP) - Supporting pathogenic, (I) - Information, (SB) - Supporting benign

Literature cited by the submitters: PubMed 12028435.

NM_000091.5(COL4A3):c.3283G>A (p.Gly1095Arg)

Genes: MFF-DT (MFF divergent transcript; minus strand), COL4A3 (collagen type IV alpha 3 chain; plus strand). Cytogenetic location: 2q36.3.
Variant type: single nucleotide variant.
Coding change: c.3283G>A on transcript NM_000091.5 (MANE Select); coding-DNA position 3283, G replaced by A.
Protein change: p.Gly1095Arg; replaces glycine 1095 with arginine.
Molecular consequence: missense variant.
Genome position (GRCh38, 1-based): chr2:227,293,263, G>A. VCF-style: chr2-227293263-G-A. GRCh37 (hg19) VCF-style: chr2-228157979-G-A.
Other names: short protein forms G1095R.
Identifiers: ClinVar variation 3377039 (VCV003377039.1).